The following is an entry in ClinVar:

ClinVar aggregate classification (germline): Uncertain significance (1 of 4 stars; one submission).

Conditions:
Early-infantile DEE. Also called: Ohtahara syndrome; Early infantile epileptic encephalopathy; Early infantile epileptic encephalopathy with suppression bursts. Identifiers: Orphanet 1934, MedGen C0393706, MONDO:0800491.

Allele frequency attached by ClinVar (database versions not stated): gnomAD exomes below 0.00001; TOPMed below 0.00001; gnomAD 0.00001.
gnomAD v4.1: 6 of 1,614,098 alleles (0.00037%); highest among the groups gnomAD compares: Non-Finnish European, 0.00051%; no homozygotes.

Submission:

Labcorp Genetics (formerly Invitae), Labcorp
Classification: Uncertain significance for Early-infantile DEE. Last evaluated: 2024-04-01. Review status: criteria provided, single submitter. Criteria: Invitae Variant Classification Sherloc (09022015). Collection method: clinical testing. Allele origin: germline.
Comment: This sequence change replaces asparagine, which is neutral and polar, with aspartic acid, which is acidic and polar, at codon 830 of the KCNH5 protein (p.Asn830Asp). This variant is present in population databases (no rsID available, gnomAD 0.0009%). This variant has not been reported in the literature in individuals affected with KCNH5-related conditions. ClinVar contains an entry for this variant (Variation ID: 1495454). Advanced modeling of protein sequence and biophysical properties (such as structural, functional, and spatial information, amino acid conservation, physicochemical variation, residue mobility, and thermodynamic stability) performed at Invitae indicates that this missense variant is not expected to disrupt KCNH5 protein function with a negative predictive value of 95%. In summary, the available evidence is currently insufficient to determine the role of this variant in disease. Therefore, it has been classified as a Variant of Uncertain Significance.

NM_139318.5(KCNH5):c.2488A>G (p.Asn830Asp)

Gene: KCNH5 (potassium voltage-gated channel subfamily H member 5; minus strand). Cytogenetic location: 14q23.2.
Variant type: single nucleotide variant.
Coding change: c.2488A>G on transcript NM_139318.5 (MANE Select); coding-DNA position 2488, A replaced by G.
Protein change: p.Asn830Asp; replaces asparagine 830 with aspartic acid.
Molecular consequence: missense variant. On other transcripts: 3 prime UTR variant (1).
Genome position (GRCh38, 1-based): chr14:62,707,987, T>C on the plus strand (A>G on the coding strand, the complement: KCNH5 is on the minus strand). VCF-style: chr14-62707987-T-C. GRCh37 (hg19) VCF-style: chr14-63174705-T-C.
Other names: c.*455A>G (NM_172375.3); short protein forms N830D.
Identifiers: ClinVar variation 1495454 (VCV001495454.9), dbSNP rs1445149671, ClinGen allele CA390100495.
Genomic context (GRCh38, chr14:62,707,987, plus strand): 5'-CTGAATCACTGCTCTTGGGGTCCTCAGACAATAGCCCCATTGACTCAGCTTTAGTGACAT[T>C]ATTCCAGTCTTCCTTTTTCTCCTCATGGGCTCCCATATTATTCTTGAGTCGCAGCCACCC-3'
Protein context (NP_647479.2, residues 820-840): AHEEKKEDWN[Asn830Asp]VTKAESMGLL